The following is an entry in ClinVar:

NM_198334.3(GANAB):c.1362G>A (p.Glu454=)

Gene: GANAB (glucosidase II alpha subunit; minus strand). Cytogenetic location: 11q12.3.
Variant type: single nucleotide variant.
Coding change: c.1362G>A on transcript NM_198334.3 (MANE Select); coding-DNA position 1362, G replaced by A.
Protein change: p.Glu454=; no amino-acid change (glutamic acid 454 retained).
Molecular consequence: synonymous variant.
Genome position (GRCh38, 1-based): chr11:62,630,625, C>T on the plus strand (G>A on the coding strand, the complement: GANAB is on the minus strand). VCF-style: chr11-62630625-C-T. GRCh37 (hg19) VCF-style: chr11-62398097-C-T.
Other names: p.Glu476=; c.1086G>A, p.Glu362= (NM_001278192.2); c.1020G>A, p.Glu340= (NM_001278193.2); c.1071G>A, p.Glu357= (NM_001278194.2, NM_001329222.2, NM_001329223.2); c.639G>A, p.Glu213= (NM_001329224.2, NM_001329225.2); c.1428G>A, p.Glu476= (NM_198335.4).
Identifiers: ClinVar variation 4683628 (VCV004683628.1).

ClinVar aggregate classification (germline): Likely benign (1 of 4 stars; one submission).

gnomAD v4.1: 6 of 1,613,114 alleles (0.00037%); highest among the groups gnomAD compares: Admixed American, 0.0067%; no homozygotes.

Submission:

Mayo Clinic Laboratories, Mayo Clinic
Classification: Likely benign. Last evaluated: 2025-09-10. Review status: criteria provided, single submitter. Criteria: ACMG Guidelines, 2015. Collection method: clinical testing. Allele origin: germline. Observed: 1 variant allele.
Comment: BP4, BP7